The following is an entry in ClinVar:

NM_145239.3(PRRT2):c.647C>G (p.Pro216Arg)

Genes: MVP-DT (MVP divergent transcript; minus strand), PRRT2 (proline rich transmembrane protein 2; plus strand). Cytogenetic location: 16p11.2.
Variant type: single nucleotide variant.
Coding change: c.647C>G on transcript NM_145239.3 (MANE Select); coding-DNA position 647, C replaced by G.
Protein change: p.Pro216Arg; replaces proline 216 with arginine.
Molecular consequence: missense variant.
Genome position (GRCh38, 1-based): chr16:29,813,701, C>G. VCF-style: chr16-29813701-C-G. GRCh37 (hg19) VCF-style: chr16-29825022-C-G.
Other names: p.P216R:CCC>CGC; p.Pro216Arg; c.647C>G, p.Pro216Arg (NM_001256442.2, NM_001256443.2); c.647C>G (NM_001256442.1); short protein forms P216R.
Identifiers: ClinVar variation 65757 (VCV000065757.22), dbSNP rs76335820, ClinGen allele CA317033.

ClinVar aggregate classification (germline): Conflicting classifications of pathogenicity. Review status: criteria provided, conflicting classifications (1 of 4 stars). 9 submissions from 9 submitters: Uncertain significance (2); Likely benign (6). 1 of the submissions does not count toward it. Last evaluated 2025-10-22.

Conditions:
PRRT2-Related Disorder. Also called: PRRT2-related disorders. Identifiers: MedGen CN381059.
Episodic kinesigenic dyskinesia (EKD). Also called: Paroxysmal kinesigenic dyskinesia. Identifiers: Orphanet 98809, MedGen C1868682, MONDO:0044202.
Inborn genetic diseases. Identifiers: MedGen C0950123, MeSH D030342.
Episodic kinesigenic dyskinesia 1 (EKD1). Also called: Dystonia 10; DYSTONIA, FAMILIAL PAROXYSMAL; PAROXYSMAL KINESIGENIC CHOREOATHETOSIS; PRRT2-Related Paroxysmal Kinesigenic Dyskinesia (PKD); PxMD-PRRT2. Identifiers: Orphanet 98809, MedGen C4552000, MONDO:0100352, OMIM 128200, MONDO:0007494.
Infantile convulsions and choreoathetosis (ICCA). Also called: PAROXYSMAL KINESIGENIC DYSKINESIA WITH INFANTILE CONVULSIONS; PRRT2-Related Paroxysmal Kinesigenic Dyskinesia with Infantile Convulsions (PKD/IC). Identifiers: Orphanet 31709, MedGen C1865926, MONDO:0011178, OMIM 602066.

Allele frequency attached by ClinVar (database versions not stated): TOPMed 0.00013.

Submissions (9):

Labcorp Genetics (formerly Invitae), Labcorp
Classification: Likely benign for Episodic kinesigenic dyskinesia. Last evaluated: 2025-10-22. Review status: criteria provided, single submitter. Criteria: Invitae Variant Classification Sherloc (09022015). Collection method: clinical testing. Allele origin: germline.

PreventionGenetics, part of Exact Sciences
Classification: Likely benign for PRRT2-related condition. Last evaluated: 2025-08-18. Review status: criteria provided, single submitter. Criteria: ACMG Guidelines, 2015. Collection method: clinical testing. Allele origin: germline.
Comment: This variant is classified as likely benign based on ACMG/AMP sequence variant interpretation guidelines (Richards et al. 2015 PMID: 25741868, with internal and published modifications).

Mayo Clinic Laboratories, Mayo Clinic
Classification: Likely benign. Last evaluated: 2025-01-14. Review status: criteria provided, single submitter. Criteria: ACMG Guidelines, 2015. Collection method: clinical testing. Allele origin: germline. Observed: 3 variant alleles.
Comment: BS2, BS3_moderate

Women's Health and Genetics/Laboratory Corporation of America, LabCorp
Classification: Uncertain significance. Last evaluated: 2024-11-04. Review status: criteria provided, single submitter. Criteria: LabCorp Variant Classification Summary - May 2015. Collection method: clinical testing. Allele origin: germline.
Comment: Variant summary: PRRT2 c.647C>G (p.Pro216Arg) results in a non-conservative amino acid change in the encoded protein sequence. Four of five in-silico tools predict a damaging effect of the variant on protein function. The variant allele was found at a frequency of 0.00015 in 217286 control chromosomes. This frequency is not significantly higher than estimated for a pathogenic variant in PRRT2 causing Episodic Kinesigenic Dyskinesia 1, allowing no conclusion about variant significance. c.647C>G has been reported in the literature in individuals affected with Episodic Kinesigenic Dyskinesia, without strong evidence for causality (Liu _2013). These report(s) do not provide unequivocal conclusions about association of the variant with Episodic Kinesigenic Dyskinesia 1. Co-occurrences with other pathogenic variant(s) have been reported (PRRT2 c.510dup, p.Leu171SerfsX3), providing supporting evidence for a benign role (Liu _2013). At least one publication reports experimental evidence evaluating an impact on protein function. These results showed no damaging effect of this variant (Zhao_2019). ClinVar contains an entry for this variant (Variation ID: 65757). Based on the evidence outlined above, the variant was classified as uncertain significance.

Ambry Genetics
Classification: Likely benign for Inborn genetic diseases. Last evaluated: 2024-02-29. Review status: criteria provided, single submitter. Criteria: Ambry Variant Classification Scheme 2023. Collection method: clinical testing. Allele origin: germline.

GeneDx
Classification: Likely benign. Last evaluated: 2021-03-27. Review status: criteria provided, single submitter. Criteria: GeneDx Variant Classification Process June 2021. Collection method: clinical testing. Allele origin: germline. Affected: yes.
Comment: This variant is associated with the following publications: (PMID: 20301633, 25502464, 23190448, 26598493, 31124310, 31154286)

Mendelics
Classification: Likely benign for Episodic kinesigenic dyskinesia 1. Last evaluated: 2019-05-28. Review status: criteria provided, single submitter. Criteria: Mendelics Assertion Criteria 2017. Collection method: clinical testing. Allele origin: unknown.

Baylor Genetics
Classification: Uncertain significance for Infantile convulsions and choreoathetosis. Last evaluated: 2019-03-01. Review status: criteria provided, single submitter. Criteria: ACMG Guidelines, 2015. Collection method: clinical testing. Allele origin: maternal. Affected: yes.
Comment: This variant was determined to be of uncertain significance according to ACMG Guidelines, 2015 [PMID:25741868].

GeneReviews
No classification provided. Condition: Episodic kinesigenic dyskinesia 1. Review status: no classification provided. Collection method: literature only. Allele origin: unknown. Not counted in ClinVar's aggregate classification.

Literature cited by the submitters: PubMed 23190448 (cited by 3 submitters); PubMed 26598493 (cited by Mayo Clinic Laboratories, Mayo Clinic and Ambry Genetics); PubMed 31124310 (cited by Mayo Clinic Laboratories, Mayo Clinic and Women's Health and Genetics/Laboratory Corporation of America, LabCorp); PubMed 25502464 (cited by Ambry Genetics); PubMed 20301633 (cited by GeneReviews); NCBI Bookshelf NBK1460 (cited by GeneReviews).